The following is an entry in ClinVar:

NM_005751.5(AKAP9):c.5645C>T (p.Ser1882Leu)

Gene: AKAP9 (A-kinase anchoring protein 9; plus strand). Cytogenetic location: 7q21.2.
Variant type: single nucleotide variant.
Coding change: c.5645C>T on transcript NM_005751.5 (MANE Select); coding-DNA position 5645, C replaced by T.
Protein change: p.Ser1882Leu; replaces serine 1882 with leucine.
Molecular consequence: missense variant.
Genome position (GRCh38, 1-based): chr7:92,061,303, C>T. VCF-style: chr7-92061303-C-T. GRCh37 (hg19) VCF-style: chr7-91690617-C-T.
Other names: c.290C>T, p.Ser97Leu (NM_001379277.1); c.5645C>T, p.Ser1882Leu (NM_147185.3); short protein forms S1882L, S97L.
Identifiers: ClinVar variation 4805447 (VCV004805447.1).

ClinVar aggregate classification (germline): Uncertain significance (1 of 4 stars; one submission).

Conditions:
Long QT syndrome (LQTS). Identifiers: MedGen C0023976, MeSH D008133, MONDO:0002442. Disease mechanism: loss of function. Inheritance: Various modes of inheritance.

Submission:

Labcorp Genetics (formerly Invitae), Labcorp
Classification: Uncertain significance for Long QT syndrome. Last evaluated: 2025-08-31. Review status: criteria provided, single submitter. Criteria: Invitae Variant Classification Sherloc (09022015). Collection method: clinical testing. Allele origin: germline.
Comment: This sequence change replaces serine, which is neutral and polar, with leucine, which is neutral and non-polar, at codon 1882 of the AKAP9 protein (p.Ser1882Leu). This variant is not present in population databases (gnomAD no frequency). This variant has not been reported in the literature in individuals affected with AKAP9-related conditions. An algorithm developed to predict the effect of missense changes on protein structure and function (PolyPhen-2) suggests that this variant is likely to be disruptive. In summary, the available evidence is currently insufficient to determine the role of this variant in disease. Therefore, it has been classified as a Variant of Uncertain Significance.